The following is an entry in ClinVar:

ClinVar aggregate classification (germline): Uncertain significance (1 of 4 stars; one submission).

Conditions:
Oligodontia-cancer predisposition syndrome. Also called: TOOTH AGENESIS-COLORECTAL CANCER SYNDROME. Identifiers: Orphanet 300576, MedGen C1837750, MONDO:0012075, OMIM 608615. Disease mechanism: loss of function.

Submission:

Labcorp Genetics (formerly Invitae), Labcorp
Classification: Uncertain significance for Oligodontia-cancer predisposition syndrome. Last evaluated: 2022-02-25. Review status: criteria provided, single submitter. Criteria: Invitae Variant Classification Sherloc (09022015). Collection method: clinical testing. Allele origin: germline.
Comment: In summary, the available evidence is currently insufficient to determine the role of this variant in disease. Therefore, it has been classified as a Variant of Uncertain Significance. Algorithms developed to predict the effect of missense changes on protein structure and function are either unavailable or do not agree on the potential impact of this missense change (SIFT: "Tolerated"; PolyPhen-2: "Probably Damaging"; Align-GVGD: "Class C0"). This variant has not been reported in the literature in individuals affected with AXIN2-related conditions. This variant is not present in population databases (gnomAD no frequency). This sequence change replaces glutamic acid, which is acidic and polar, with lysine, which is basic and polar, at codon 233 of the AXIN2 protein (p.Glu233Lys).

NM_004655.4(AXIN2):c.697G>A (p.Glu233Lys)

Gene: AXIN2 (axin 2; minus strand). Cytogenetic location: 17q24.1.
Variant type: single nucleotide variant.
Coding change: c.697G>A on transcript NM_004655.4 (MANE Select); coding-DNA position 697, G replaced by A.
Protein change: p.Glu233Lys; replaces glutamic acid 233 with lysine.
Molecular consequence: missense variant.
Genome position (GRCh38, 1-based): chr17:65,557,924, C>T on the plus strand (G>A on the coding strand, the complement: AXIN2 is on the minus strand). VCF-style: chr17-65557924-C-T. GRCh37 (hg19) VCF-style: chr17-63554042-C-T.
Other names: c.697G>A, p.Glu233Lys (NM_001363813.1); short protein forms E233K.
Identifiers: ClinVar variation 2099150 (VCV002099150.4), dbSNP rs2544248087, ClinGen allele CA400680466.